The following is an entry in ClinVar:

ClinVar aggregate classification (germline): Uncertain significance. Review status: criteria provided, multiple submitters, no conflicts (2 of 4 stars). 2 submissions from 2 submitters: Uncertain significance (2). Last evaluated 2025-12-10.

Conditions:
Inborn genetic diseases. Identifiers: MedGen C0950123, MeSH D030342.
Bethlem myopathy 1A. Also called: MYOPATHY, BENIGN CONGENITAL, WITH CONTRACTURES; Bethlem myopathy 1; Bethlem Muscular Dystrophy. Identifiers: Orphanet 610, MedGen CN029274, MONDO:0024530, OMIM 158810.

Allele frequency attached by ClinVar (database versions not stated): gnomAD exomes below 0.00001; ExAC 0.00002.
gnomAD v4.1: 4 of 1,612,478 alleles (0.00025%); highest among the groups gnomAD compares: Non-Finnish European, 0.00034%; no homozygotes.

Submissions (2):

Ambry Genetics
Classification: Uncertain significance for Inborn genetic diseases. Last evaluated: 2025-12-10. Review status: criteria provided, single submitter. Criteria: Ambry Variant Classification Scheme 2023. Collection method: clinical testing. Allele origin: germline.

Labcorp Genetics (formerly Invitae), Labcorp
Classification: Uncertain significance for Bethlem myopathy 1A. Last evaluated: 2022-12-15. Review status: criteria provided, single submitter. Criteria: Invitae Variant Classification Sherloc (09022015). Collection method: clinical testing. Allele origin: germline.
Comment: In summary, the available evidence is currently insufficient to determine the role of this variant in disease. Therefore, it has been classified as a Variant of Uncertain Significance. Advanced modeling of protein sequence and biophysical properties (such as structural, functional, and spatial information, amino acid conservation, physicochemical variation, residue mobility, and thermodynamic stability) performed at Invitae indicates that this missense variant is not expected to disrupt COL6A2 protein function. This variant has not been reported in the literature in individuals affected with COL6A2-related conditions. This variant is present in population databases (rs764162312, gnomAD 0.002%). This sequence change replaces proline, which is neutral and non-polar, with serine, which is neutral and polar, at codon 414 of the COL6A2 protein (p.Pro414Ser).

NM_001849.4(COL6A2):c.1240C>T (p.Pro414Ser)

Gene: COL6A2 (collagen type VI alpha 2 chain; plus strand). Cytogenetic location: 21q22.3.
Variant type: single nucleotide variant.
Coding change: c.1240C>T on transcript NM_001849.4 (MANE Select); coding-DNA position 1240, C replaced by T.
Protein change: p.Pro414Ser; replaces proline 414 with serine.
Molecular consequence: missense variant.
Genome position (GRCh38, 1-based): chr21:46,119,090, C>T. VCF-style: chr21-46119090-C-T. GRCh37 (hg19) VCF-style: chr21-47539004-C-T.
Other names: c.1240C>T, p.Pro414Ser (NM_058174.3, NM_058175.3); short protein forms P414S.
Identifiers: ClinVar variation 2963496 (VCV002963496.4), dbSNP rs764162312, ClinGen allele CA10071777.